The following is an entry in ClinVar:

ClinVar aggregate classification (germline): Likely benign (1 of 4 stars; one submission).

gnomAD v4.1: 2 of 1,604,154 alleles (0.00012%); highest among the groups gnomAD compares: Non-Finnish European, 0.00017%; no homozygotes.

Submission:

CeGaT Center for Human Genetics Tuebingen
Classification: Likely benign. Last evaluated: 2022-12-01. Review status: criteria provided, single submitter. Criteria: CeGaT Center For Human Genetics Tuebingen Variant Classification Criteria Version 2. Collection method: clinical testing. Allele origin: germline. Affected: yes. Observed: 1 variant allele.
Comment: KCNT1: BP4, BP7

NM_020822.3(KCNT1):c.3600C>A (p.Arg1200=)

Gene: KCNT1 (potassium sodium-activated channel subfamily T member 1; plus strand). Cytogenetic location: 9q34.3.
Variant type: single nucleotide variant.
Coding change: c.3600C>A on transcript NM_020822.3 (MANE Select); coding-DNA position 3600, C replaced by A.
Protein change: p.Arg1200=; no amino-acid change (arginine 1200 retained).
Molecular consequence: synonymous variant.
Genome position (GRCh38, 1-based): chr9:135,792,053, C>A. VCF-style: chr9-135792053-C-A. GRCh37 (hg19) VCF-style: chr9-138683899-C-A.
Other names: c.3528C>A, p.Arg1176= (NM_001272003.2).
Identifiers: ClinVar variation 2659722 (VCV002659722.24), dbSNP rs144658404, ClinGen allele CA467701243.